The following is an entry in ClinVar:

ClinVar aggregate classification (germline): Pathogenic. Review status: reviewed by expert panel (3 of 4 stars). 12 submissions from 12 submitters: Pathogenic (1). 11 of the submissions do not count toward it. Last evaluated 2015-08-10.
ClinVar aggregate classification (somatic clinical impact): Tier II - Potential (1 of 4 stars; one submission).

Conditions:
Hereditary cancer-predisposing syndrome. Also called: Tumor predisposition; Neoplastic Syndromes, Hereditary; Hereditary Cancer Syndrome; Hereditary neoplastic syndrome. Identifiers: Orphanet 140162, MedGen C0027672, MeSH D009386, MONDO:0015356.
Hereditary breast ovarian cancer syndrome. Also called: Hereditary breast and ovarian cancer syndrome (HBOC); Hereditary breast and ovarian cancer syndrome; Hereditary breast and ovarian cancer; Hereditary breast and/or ovarian cancer syndrome; Breast and ovarian cancer; BRCA1- and BRCA2-Associated Hereditary Breast and Ovarian Cancer. Identifiers: Orphanet 145, MedGen C0677776, MeSH D061325, MONDO:0003582. Disease mechanism: loss of function.
Breast-ovarian cancer, familial, susceptibility to, 1 (BROVCA1). Also called: OVARIAN CANCER, SUSCEPTIBILITY TO; BRCA1 Hereditary Breast and Ovarian Cancer. Identifiers: Orphanet 145, MedGen C2676676, MONDO:0011450, OMIM 604370. Disease mechanism: loss of function.
Malignant germ cell tumor. Identifiers: MedGen C4048549, MONDO:0006290.

Submissions 1 to 8 of 14:

Evidence-based Network for the Interpretation of Germline Mutant Alleles (ENIGMA)
Classification: Pathogenic for Breast-ovarian cancer, familial 1. Last evaluated: 2015-08-10. Review status: reviewed by expert panel. Criteria: ENIGMA BRCA1/2 Classification Criteria (2015). Collection method: curation. Allele origin: germline.
Comment: IARC class based on posterior probability from multifactorial likelihood analysis, thresholds for class as per Plon et al. 2008 (PMID: 18951446). Class 5 based on posterior probability = 1

Labcorp Genetics (formerly Invitae), Labcorp
Classification: Pathogenic for Hereditary breast ovarian cancer syndrome. Last evaluated: 2025-11-18. Review status: criteria provided, single submitter. Criteria: Invitae Variant Classification Sherloc (09022015). Collection method: clinical testing. Allele origin: germline. Not counted in ClinVar's aggregate classification.
Comment: This sequence change replaces cysteine, which is neutral and slightly polar, with tyrosine, which is neutral and polar, at codon 44 of the BRCA1 protein (p.Cys44Tyr). This variant is not present in population databases (gnomAD no frequency). This missense change has been observed in individual(s) with breast and ovarian cancer (PMID: 19543972, 27083775). ClinVar contains an entry for this variant (Variation ID: 54199). Invitae Evidence Modeling incorporating data from in vitro experimental studies (PMID: 30209399) indicates that this missense variant is expected to disrupt BRCA1 function with a positive predictive value of 95%. Experimental studies have shown that this missense change affects BRCA1 function (PMID: 21922593, 27272900). This variant disrupts the p.Cys44 amino acid residue in BRCA1. Other variant(s) that disrupt this residue have been determined to be pathogenic (PMID: 19543972, 21990134, 27272900). This suggests that this residue is clinically significant, and that variants that disrupt this residue are likely to be disease-causing. For these reasons, this variant has been classified as Pathogenic.

Women's Health and Genetics/Laboratory Corporation of America, LabCorp
Classification: Pathogenic for Hereditary breast ovarian cancer syndrome. Last evaluated: 2025-11-03. Review status: criteria provided, single submitter. Criteria: LabCorp Variant Classification Summary - May 2015. Collection method: clinical testing. Allele origin: germline. Not counted in ClinVar's aggregate classification.
Comment: Variant summary: BRCA1 c.131G>A (p.Cys44Tyr) results in a non-conservative amino acid change in the encoded protein sequence. The frequency data for this variant in gnomAD is considered unreliable, as metrics indicate poor data quality at this position. c.131G>A has been observed in individual(s) affected with Hereditary Breast And Ovarian Cancer Syndrome. These data indicate that the variant may be associated with disease. Different variants affecting the same codon have been classified as pathogenic by our lab (p.Cys44Ser, p.Cys44Phe), supporting the critical relevance of codon 44 to BRCA1 protein function. The following publications have been ascertained in the context of this evaluation (PMID: 16267036, 19543972). ClinVar contains an entry for this variant (Variation ID: 54199). Based on the evidence outlined above, the variant was classified as pathogenic.

Center for Genomic Medicine, Rigshospitalet, Copenhagen University Hospital
Classification: Pathogenic. Last evaluated: 2025-03-04. Review status: criteria provided, single submitter. Criteria: ACMG Guidelines, 2015. Collection method: clinical testing. Allele origin: germline. Not counted in ClinVar's aggregate classification.

Quest Diagnostics Nichols Institute San Juan Capistrano
Classification: Pathogenic. Last evaluated: 2024-08-03. Review status: criteria provided, single submitter. Criteria: Quest Diagnostics criteria. Collection method: clinical testing. Allele origin: unknown. Not counted in ClinVar's aggregate classification.
Comment: The BRCA1 c.131G>A (p.Cys44Tyr) variant has been reported in the published literature in individuals with ovarian cancer (PMID: 36367610 (2023), 31825140 (2019)) and breast cancer (PMID: 27083775 (2016)). Assessment of experimental evidence suggests this variant results in abnormal protein function (PMID: 21922593 (2011), 25823446 (2015), 27272900 (2016), 30209399 (2018)). This variant has not been reported in large, multi-ethnic general populations (Genome Aggregation Database). Analysis of this variant using bioinformatics tools for the prediction of the effect of amino acid changes on protein structure and function yielded predictions that this variant is damaging. Based on the available information, this variant is classified as pathogenic.

Institute for Genomic Medicine (IGM) Clinical Laboratory, Nationwide Children's Hospital
Classification: Tier II - Potential for Malignant germ cell tumor. Assertion type: diagnostic. Clinical significance: supports diagnosis. Last evaluated: 2024-01-19. Review status: criteria provided, single submitter. Criteria: AMP/ASCO/CAP Guidelines, 2017. Collection method: clinical testing. Allele origin: somatic. Affected: yes.
Comment: Variant has Tier II (potential) clinical significance as a diagnostic inclusion criterion in malignant germ cell tumor, based on the following evidence: 1) Documented in one or more cancer databases (e.g., St. Jude Pecan, COSMIC, CIViC, OncoKB). 2) Information in the literature supports potential biologic effect of variant (PMIDs: 30209399, 32546644). 3) Assists in diagnosis alone or along with other biomarkers based on small studies or few case reports (Evidence Level D; PMIDs: 30371878, 22588877).

Ambry Genetics
Classification: Pathogenic for Hereditary cancer-predisposing syndrome. Last evaluated: 2023-08-08. Review status: criteria provided, single submitter. Criteria: Ambry Variant Classification Scheme 2023. Collection method: clinical testing. Allele origin: germline. Not counted in ClinVar's aggregate classification.
Comment: The p.C44Y variant (also known as c.131G>A), located in coding exon 2 of the BRCA1 gene, results from a G to A substitution at nucleotide position 131. The cysteine at codon 44 is replaced by tyrosine, an amino acid with highly dissimilar properties. This alteration, along with another alteration, p.C44S, at the same position, has been classified as definitely pathogenic (p>0.99) by multifactorial analysis, which integrates the following lines of evidence to produce a quantitative likelihood of pathogenicity: in silico prediction models, segregation with disease, tumor characteristics, mutation co-occurrence (Easton D et al. Am J Hum Genet. 2007;81:873-883; Vallee M et al. Hum Mutat. 2012 Jan;33(1):22-8; Lindor NM et al. Hum. Mutat., 2012 Jan;33:8-21). This alteration was shown to disrupt the function of the protein in multiple functional studies using different assays (Millot GA et al. Hum. Mutat., 2011 Dec;32:1470-80; Starita LM et al. Genetics, 2015 Jun;200:413-22; Thouvenot P et al. PLoS Genet., 2016 Jun;12:e1006096). In addition, a recent study found that this nucleotide substitution is deleterious in a high throughput genome editing haploid cell survival assay (Findlay GM et al. Nature. 2018 10;562(7726):217-222). This amino acid position is highly conserved in available vertebrate species. In addition, this alteration is predicted to be deleterious by BayesDel in silico analysis. Based on the supporting evidence, this alteration is interpreted as a disease-causing mutation.

GeneDx
Classification: Pathogenic. Last evaluated: 2023-08-07. Review status: criteria provided, single submitter. Criteria: GeneDx Variant Classification Process June 2021. Collection method: clinical testing. Allele origin: germline. Affected: yes. Not counted in ClinVar's aggregate classification.
Comment: Published functional studies demonstrate a damaging effect: reduced cellular proliferation, nuclear localization, and E3 ubiquitin ligase activity, as well as an inability to form a functional heterodimer with BARD1 (Brzovic et al., 2003; Morris et al., 2006; Millot et al., 2011; Starita et al., 2015); in addition, colony size, spot formation, and yeast localization assays of this variant also demonstrated a pathogenic effect (Thouvenot et al., 2016); A multifactorial model strongly predicted this variant to be deleterious (Lindor et al., 2012); Not observed at significant frequency in large population cohorts (gnomAD); Truncating variants in this gene are considered pathogenic by a well-established clinical consortium and/or database; In silico analysis supports that this missense variant has a deleterious effect on protein structure/function; Observed in individuals with breast cancer, including an individual with early-onset, triple negative disease and family history of bilateral breast cancer (Sweet et al., 2010; Sun et al., 2017); Also known as 250G>A; This variant is associated with the following publications: (PMID: 16403807, 12732733, 30209399, 24489791, 16267036, 24312913, 25823446, 27272900, 28724667, 30702160, 31825140, 33087888, 29446198, 21922593, 21990134, 8944023, 20104584, 24389207, 19543972)

NM_007294.4(BRCA1):c.131G>A (p.Cys44Tyr)

Gene: BRCA1 (BRCA1 DNA repair associated; minus strand). Cytogenetic location: 17q21.31.
Variant type: single nucleotide variant.
Coding change: c.131G>A on transcript NM_007294.4 (MANE Select); coding-DNA position 131, G replaced by A.
Protein change: p.Cys44Tyr; replaces cysteine 44 with tyrosine.
Molecular consequence: missense variant. On other transcripts: non-coding transcript variant (1), intron variant (1).
Genome position (GRCh38, 1-based): chr17:43,115,729, C>T on the plus strand (G>A on the coding strand, the complement: BRCA1 is on the minus strand). VCF-style: chr17-43115729-C-T. GRCh37 (hg19) VCF-style: chr17-41267746-C-T.
Other names: p.C44Y:TGC>TAC; 250G>A; c.131G>A, p.Cys44Tyr (NM_001408403.1, NM_001408404.1, NM_001408406.1 and 192 more transcripts); c.-11G>A (NM_001408410.1, NM_001408452.1, NM_001408453.1 and 47 more transcripts); c.-127G>A (NM_001408455.1, NM_001408456.1, NM_001408468.1 and 13 more transcripts); c.-131G>A (NM_001408465.1, NM_001407695.1); c.-58G>A (NM_001408478.1, NM_001408479.1, NM_001408480.1 and 52 more transcripts); c.-174G>A (NM_001408492.1, NM_001407889.1, NM_001407900.1); and 3 more; short protein forms C44Y.
Identifiers: ClinVar variation 54199 (VCV000054199.30), dbSNP rs80357446, ClinGen allele CA000861.